The following is an entry in ClinVar:

NM_020738.4(KIDINS220):c.5106G>A (p.Met1702Ile)

Gene: KIDINS220 (kinase D interacting substrate 220; minus strand). Cytogenetic location: 2p25.1.
Variant type: single nucleotide variant.
Coding change: c.5106G>A on transcript NM_020738.4 (MANE Select); coding-DNA position 5106, G replaced by A.
Protein change: p.Met1702Ile; replaces methionine 1702 with isoleucine.
Molecular consequence: missense variant. On other transcripts: intron variant (6).
Genome position (GRCh38, 1-based): chr2:8,730,930, C>T on the plus strand (G>A on the coding strand, the complement: KIDINS220 is on the minus strand). VCF-style: chr2-8730930-C-T. GRCh37 (hg19) VCF-style: chr2-8871060-C-T.
Other names: c.5109G>A, p.Met1703Ile (NM_001348729.2); c.5052G>A, p.Met1684Ile (NM_001348731.2); c.5049G>A, p.Met1683Ile (NM_001348732.2); c.4938G>A, p.Met1646Ile (NM_001348734.2); c.4935G>A, p.Met1645Ile (NM_001348735.2); c.4809G>A, p.Met1603Ile (NM_001348736.2); c.3882+2514G>A (NM_001348741.2, NM_001348742.2, NM_001348743.2); c.3996+2514G>A (NM_001348738.2); and 2 more; short protein forms M1683I, M1703I, M1603I, M1645I, M1646I, M1684I, M1702I.
Identifiers: ClinVar variation 2183884 (VCV002183884.29), dbSNP rs764865735, ClinGen allele CA1519248.

ClinVar aggregate classification (germline): Conflicting classifications of pathogenicity. Review status: criteria provided, conflicting classifications (1 of 4 stars). 4 submissions from 4 submitters: Uncertain significance (2); Likely benign (1). 1 of the submissions does not count toward it. Last evaluated 2025-06-06.

Conditions:
KIDINS220-related disorder. Also called: KIDINS220-related condition.
Inborn genetic diseases. Identifiers: MedGen C0950123, MeSH D030342.

Allele frequency attached by ClinVar (database versions not stated): gnomAD 0.00006; TOPMed 0.00006; ExAC 0.00008.

Submissions (4):

Ambry Genetics
Classification: Uncertain significance for Inborn genetic diseases. Last evaluated: 2025-06-06. Review status: criteria provided, single submitter. Criteria: Ambry Variant Classification Scheme 2023. Collection method: clinical testing. Allele origin: germline.

Labcorp Genetics (formerly Invitae), Labcorp
Classification: Uncertain significance. Last evaluated: 2023-03-02. Review status: criteria provided, single submitter. Criteria: Invitae Variant Classification Sherloc (09022015). Collection method: clinical testing. Allele origin: germline.
Comment: This variant has not been reported in the literature in individuals affected with KIDINS220-related conditions. In summary, the available evidence is currently insufficient to determine the role of this variant in disease. Therefore, it has been classified as a Variant of Uncertain Significance. Algorithms developed to predict the effect of missense changes on protein structure and function output the following: SIFT: "Not Available"; PolyPhen-2: "Benign"; Align-GVGD: "Not Available". The isoleucine amino acid residue is found in multiple mammalian species, which suggests that this missense change does not adversely affect protein function. ClinVar contains an entry for this variant (Variation ID: 2183884). This variant is present in population databases (rs764865735, gnomAD 0.01%). This sequence change replaces methionine, which is neutral and non-polar, with isoleucine, which is neutral and non-polar, at codon 1702 of the KIDINS220 protein (p.Met1702Ile).

CeGaT Center for Human Genetics Tuebingen
Classification: Likely benign. Last evaluated: 2022-05-01. Review status: criteria provided, single submitter. Criteria: CeGaT Center For Human Genetics Tuebingen Variant Classification Criteria Version 2. Collection method: clinical testing. Allele origin: germline. Affected: yes. Observed: 1 variant allele.
Comment: KIDINS220: BP4

PreventionGenetics, part of Exact Sciences
Classification: Uncertain significance for KIDINS220-related condition. Last evaluated: 2024-08-19. Review status: no assertion criteria provided. Collection method: clinical testing. Allele origin: germline. Not counted in ClinVar's aggregate classification.
Comment: The KIDINS220 c.5106G>A variant is predicted to result in the amino acid substitution p.Met1702Ile. To our knowledge, this variant has not been reported in the literature. This variant is reported in 0.017% of alleles in individuals of Latino descent in gnomAD. At this time, the clinical significance of this variant is uncertain due to the absence of conclusive functional and genetic evidence.